The following is an entry in ClinVar:

ClinVar aggregate classification (germline): Uncertain significance. Review status: criteria provided, multiple submitters, no conflicts (2 of 4 stars). 2 submissions from 2 submitters: Uncertain significance (2). Last evaluated 2025-11-13.

Allele frequency attached by ClinVar (database versions not stated): gnomAD 0.00001; gnomAD exomes 0.00001 and 0.00002; TOPMed 0.00002; ExAC 0.00003.

Submissions (2):

Labcorp Genetics (formerly Invitae), Labcorp
Classification: Uncertain significance. Last evaluated: 2025-11-13. Review status: criteria provided, single submitter. Criteria: Invitae Variant Classification Sherloc (09022015). Collection method: clinical testing. Allele origin: germline.
Comment: This sequence change replaces arginine, which is basic and polar, with cysteine, which is neutral and slightly polar, at codon 392 of the KCNV2 protein (p.Arg392Cys). This variant is present in population databases (rs770442556, gnomAD 0.02%). This variant has not been reported in the literature in individuals affected with KCNV2-related conditions. ClinVar contains an entry for this variant (Variation ID: 838546). Invitae Evidence Modeling of protein sequence and biophysical properties (such as structural, functional, and spatial information, amino acid conservation, physicochemical variation, residue mobility, and thermodynamic stability) indicates that this missense variant is expected to disrupt KCNV2 protein function with a positive predictive value of 95%. In summary, the available evidence is currently insufficient to determine the role of this variant in disease. Therefore, it has been classified as a Variant of Uncertain Significance.

Blueprint Genetics
Classification: Uncertain significance. Last evaluated: 2023-03-20. Review status: criteria provided, single submitter. Criteria: ACMG Guidelines, 2015. Collection method: clinical testing. Allele origin: germline.

NM_133497.4(KCNV2):c.1174C>T (p.Arg392Cys)

Gene: KCNV2 (potassium voltage-gated channel modifier subfamily V member 2; plus strand). Cytogenetic location: 9p24.2.
Variant type: single nucleotide variant.
Coding change: c.1174C>T on transcript NM_133497.4 (MANE Select); coding-DNA position 1174, C replaced by T.
Protein change: p.Arg392Cys; replaces arginine 392 with cysteine.
Molecular consequence: missense variant.
Genome position (GRCh38, 1-based): chr9:2,718,913, C>T. VCF-style: chr9-2718913-C-T. GRCh37 (hg19) VCF-style: chr9-2718913-C-T.
Other names: short protein forms R392C.
Identifiers: ClinVar variation 838546 (VCV000838546.10), dbSNP rs770442556, ClinGen allele CA4965802.